The following is an entry in ClinVar:

NM_004415.4(DSP):c.8516C>T (p.Ser2839Phe)

Gene: DSP (desmoplakin; plus strand). Cytogenetic location: 6p24.3.
Variant type: single nucleotide variant.
Coding change: c.8516C>T on transcript NM_004415.4 (MANE Select); coding-DNA position 8516, C replaced by T.
Protein change: p.Ser2839Phe; replaces serine 2839 with phenylalanine.
Molecular consequence: missense variant.
Genome position (GRCh38, 1-based): chr6:7,585,778, C>T. VCF-style: chr6-7585778-C-T. GRCh37 (hg19) VCF-style: chr6-7586011-C-T.
Other names: c.6719C>T, p.Ser2240Phe (NM_001008844.3); c.7187C>T, p.Ser2396Phe (NM_001319034.2); short protein forms S2240F, S2839F, S2396F.
Identifiers: ClinVar variation 840910 (VCV000840910.10), dbSNP rs750438076, ClinGen allele CA362695294.

ClinVar aggregate classification (germline): Uncertain significance (1 of 4 stars; one submission).

Conditions:
Arrhythmogenic cardiomyopathy with wooly hair and keratoderma. Also called: Carvajal syndrome; Dilated cardiomyopathy with woolly hair and keratoderma; Arrhythmogenic cardiomyopathy with woolly hair and keratoderma; PALMOPLANTAR KERATODERMA WITH LEFT VENTRICULAR CARDIOMYOPATHY AND WOOLLY HAIR. Identifiers: Orphanet 65282, MedGen C1854063, MONDO:0011581, OMIM 605676.
Arrhythmogenic right ventricular dysplasia 8 (ARVD8). Also called: Arrhythmogenic Right Ventricular Dysplasia/Cardiomyopathy 8; ARRHYTHMOGENIC RIGHT VENTRICULAR CARDIOMYOPATHY 8; ARRHYTHMOGENIC RIGHT VENTRICULAR DYSPLASIA, FAMILIAL, 8. Identifiers: MedGen C1843896, MONDO:0011831, OMIM 607450.

gnomAD v4.1: 4 of 1,609,240 alleles (0.00025%); highest among the groups gnomAD compares: Non-Finnish European, 0.00034%; no homozygotes.

Submission:

Labcorp Genetics (formerly Invitae), Labcorp
Classification: Uncertain significance for Arrhythmogenic cardiomyopathy with wooly hair and keratoderma; Arrhythmogenic right ventricular dysplasia 8. Last evaluated: 2022-12-31. Review status: criteria provided, single submitter. Criteria: Invitae Variant Classification Sherloc (09022015). Collection method: clinical testing. Allele origin: germline.
Comment: In summary, the available evidence is currently insufficient to determine the role of this variant in disease. Therefore, it has been classified as a Variant of Uncertain Significance. Algorithms developed to predict the effect of missense changes on protein structure and function (SIFT, PolyPhen-2, Align-GVGD) all suggest that this variant is likely to be disruptive. ClinVar contains an entry for this variant (Variation ID: 840910). This variant has not been reported in the literature in individuals affected with DSP-related conditions. This variant is present in population databases (no rsID available, gnomAD 0.002%). This sequence change replaces serine, which is neutral and polar, with phenylalanine, which is neutral and non-polar, at codon 2839 of the DSP protein (p.Ser2839Phe).